The following is an entry in ClinVar:

NM_144999.4(LRRC45):c.433G>A (p.Ala145Thr)

Gene: LRRC45 (leucine rich repeat containing 45; plus strand). Cytogenetic location: 17q25.3.
Variant type: single nucleotide variant.
Coding change: c.433G>A on transcript NM_144999.4 (MANE Select); coding-DNA position 433, G replaced by A.
Protein change: p.Ala145Thr; replaces alanine 145 with threonine.
Molecular consequence: missense variant.
Genome position (GRCh38, 1-based): chr17:82,025,079, G>A. VCF-style: chr17-82025079-G-A. GRCh37 (hg19) VCF-style: chr17-79982955-G-A.
Other names: short protein forms A145T.
Identifiers: ClinVar variation 4981295 (VCV004981295.1).

ClinVar aggregate classification (germline): Uncertain significance (1 of 4 stars; one submission).

Conditions:
LRRC45-related disorder. Also called: LRRC45-related condition.

Submission:

PreventionGenetics, part of Exact Sciences
Classification: Uncertain significance for LRRC45-related condition. Last evaluated: 2026-05-27. Review status: criteria provided, single submitter. Criteria: ACMG Guidelines, 2015. Collection method: clinical testing. Allele origin: germline.
Comment: The LRRC45 c.433G>A variant is predicted to result in the amino acid substitution p.Ala145Thr. To our knowledge, this variant has not been reported in the literature. This variant is reported in 0.0085% of alleles in individuals of African descent in gnomAD. At this time, the clinical significance of this variant is uncertain due to the absence of conclusive functional and genetic evidence.